The following is an entry in ClinVar:

NM_014391.3(ANKRD1):c.860C>A (p.Thr287Lys)

Gene: ANKRD1 (ankyrin repeat domain 1; minus strand). Cytogenetic location: 10q23.31.
Variant type: single nucleotide variant.
Coding change: c.860C>A on transcript NM_014391.3 (MANE Select); coding-DNA position 860, C replaced by A.
Protein change: p.Thr287Lys; replaces threonine 287 with lysine.
Molecular consequence: missense variant.
Genome position (GRCh38, 1-based): chr10:90,912,966, G>T on the plus strand (C>A on the coding strand, the complement: ANKRD1 is on the minus strand). VCF-style: chr10-90912966-G-T. GRCh37 (hg19) VCF-style: chr10-92672723-G-T.
Other names: short protein forms T287K.
Identifiers: ClinVar variation 2078417 (VCV002078417.4), dbSNP rs794728975, ClinGen allele CA377547991.

ClinVar aggregate classification (germline): Uncertain significance (1 of 4 stars; one submission).

Conditions:
ANKRD1-related dilated cardiomyopathy. Identifiers: MedGen CN119551.

Submission:

Labcorp Genetics (formerly Invitae), Labcorp
Classification: Uncertain significance for ANKRD1-related dilated cardiomyopathy. Last evaluated: 2024-02-20. Review status: criteria provided, single submitter. Criteria: Invitae Variant Classification Sherloc (09022015). Collection method: clinical testing. Allele origin: germline.
Comment: This sequence change replaces threonine, which is neutral and polar, with lysine, which is basic and polar, at codon 287 of the ANKRD1 protein (p.Thr287Lys). This variant is not present in population databases (gnomAD no frequency). This variant has not been reported in the literature in individuals affected with ANKRD1-related conditions. ClinVar contains an entry for this variant (Variation ID: 2078417). Advanced modeling of protein sequence and biophysical properties (such as structural, functional, and spatial information, amino acid conservation, physicochemical variation, residue mobility, and thermodynamic stability) performed at Invitae indicates that this missense variant is not expected to disrupt ANKRD1 protein function with a negative predictive value of 80%. In summary, the available evidence is currently insufficient to determine the role of this variant in disease. Therefore, it has been classified as a Variant of Uncertain Significance.